The following is an entry in ClinVar:

ClinVar aggregate classification (germline): Uncertain significance (1 of 4 stars; one submission).

Allele frequency attached by ClinVar (database versions not stated): gnomAD exomes below 0.00001; gnomAD 0.00001; TOPMed 0.00002.
gnomAD v4.1: 3 of 1,613,208 alleles (0.00019%); highest among the groups gnomAD compares: African/African-American, 0.0027%; no homozygotes.

Submission:

Labcorp Genetics (formerly Invitae), Labcorp
Classification: Uncertain significance. Last evaluated: 2022-06-13. Review status: criteria provided, single submitter. Criteria: Invitae Variant Classification Sherloc (09022015). Collection method: clinical testing. Allele origin: germline.
Comment: In summary, the available evidence is currently insufficient to determine the role of this variant in disease. Therefore, it has been classified as a Variant of Uncertain Significance. Algorithms developed to predict the effect of missense changes on protein structure and function are either unavailable or do not agree on the potential impact of this missense change (SIFT: "Deleterious"; PolyPhen-2: "Probably Damaging"; Align-GVGD: "Class C0"). This variant has not been reported in the literature in individuals affected with ADGRV1-related conditions. This variant is not present in population databases (gnomAD no frequency). This sequence change replaces glutamic acid, which is acidic and polar, with lysine, which is basic and polar, at codon 1588 of the ADGRV1 protein (p.Glu1588Lys).

NM_032119.4(ADGRV1):c.4762G>A (p.Glu1588Lys)

Gene: ADGRV1 (adhesion G protein-coupled receptor V1; plus strand). Cytogenetic location: 5q14.3.
Variant type: single nucleotide variant.
Coding change: c.4762G>A on transcript NM_032119.4 (MANE Select); coding-DNA position 4762, G replaced by A.
Protein change: p.Glu1588Lys; replaces glutamic acid 1588 with lysine.
Molecular consequence: missense variant. On other transcripts: non-coding transcript variant (1).
Genome position (GRCh38, 1-based): chr5:90,672,555, G>A. VCF-style: chr5-90672555-G-A. GRCh37 (hg19) VCF-style: chr5-89968372-G-A.
Other names: short protein forms E1588K.
Identifiers: ClinVar variation 1420147 (VCV001420147.6), dbSNP rs1423740535, ClinGen allele CA360406775.